The following is an entry in ClinVar:

NM_001289104.2(PRKCSH):c.1285G>T (p.Glu429Ter)

Gene: PRKCSH (PRKCSH beta subunit of glucosidase II; plus strand). Cytogenetic location: 19p13.2.
Variant type: single nucleotide variant.
Coding change: c.1285G>T on transcript NM_001289104.2 (MANE Select); coding-DNA position 1285, G replaced by T.
Protein change: p.Glu429Ter; replaces glutamic acid 429 with a stop codon.
Molecular consequence: nonsense.
Genome position (GRCh38, 1-based): chr19:11,448,628, G>T. VCF-style: chr19-11448628-G-T. GRCh37 (hg19) VCF-style: chr19-11559443-G-T.
Other names: p.Glu422*; c.1255G>T, p.Glu419Ter (NM_001001329.3, NM_001289102.2, NM_001379609.1); c.1285G>T, p.Glu429Ter (NM_001289103.2); c.1264G>T, p.Glu422Ter (NM_001379608.1, NM_002743.3); short protein forms E419*, E422*, E429*.
Identifiers: ClinVar variation 2683685 (VCV002683685.4), dbSNP rs1970439370, ClinGen allele CA404136835.
Genomic context (GRCh38, chr19:11,448,628, plus strand): 5'-TTTGGCCCCAACGGGGAGTTTGCTTACCTGTACAGCCAGTGCTACGAGCTCACCACCAAC[G>T]AGTGCGTCCCAGGAATGCAGGGGCCCCCACTGGCAGGGTGGGAGGCGGGTGGCCCCGGAA-3'

ClinVar aggregate classification (germline): Pathogenic/Likely pathogenic. Review status: criteria provided, multiple submitters, no conflicts (2 of 4 stars). 2 submissions from 2 submitters: Pathogenic (1); Likely pathogenic (1). Last evaluated 2023-12-30.

Submissions (2):

Labcorp Genetics (formerly Invitae), Labcorp
Classification: Pathogenic. Last evaluated: 2023-12-30. Review status: criteria provided, single submitter. Criteria: Invitae Variant Classification Sherloc (09022015). Collection method: clinical testing. Allele origin: germline.
Comment: This sequence change creates a premature translational stop signal (p.Glu422*) in the PRKCSH gene. It is expected to result in an absent or disrupted protein product. Loss-of-function variants in PRKCSH are known to be pathogenic (PMID: 12529853, 12577059, 20095989). This variant is not present in population databases (gnomAD no frequency). This variant has not been reported in the literature in individuals affected with PRKCSH-related conditions. For these reasons, this variant has been classified as Pathogenic.

Mayo Clinic Laboratories, Mayo Clinic
Classification: Likely pathogenic. Last evaluated: 2022-12-29. Review status: criteria provided, single submitter. Criteria: ACMG Guidelines, 2015. Collection method: clinical testing. Allele origin: germline. Observed: 1 variant allele.
Comment: PM2_supporting, PVS1

Literature cited by the submitters: PubMed 12529853 (cited by Labcorp Genetics (formerly Invitae), Labcorp); PubMed 12577059 (cited by Labcorp Genetics (formerly Invitae), Labcorp); PubMed 20095989 (cited by Labcorp Genetics (formerly Invitae), Labcorp).